The following is an entry in ClinVar:

NM_007217.4(PDCD10):c.62_71del (p.Pro21fs)

Gene: PDCD10 (programmed cell death 10; minus strand). Cytogenetic location: 3q26.1.
Variant type: Deletion.
Coding change: c.62_71del on transcript NM_007217.4 (MANE Select); coding-DNA positions 62 to 71, 10 bases deleted (CCCTCTATGC; older notation c.62_71delCCCTCTATGC).
Protein change: p.Pro21fs; shifts the reading frame from proline 21.
Molecular consequence: frameshift variant.
Genome position (GRCh38, 1-based): chr3:167,720,087-167,720,096, GCATAGAGGG deleted on the plus strand (CCCTCTATGC on the coding strand, the reverse complement: PDCD10 is on the minus strand); deleting any 10 consecutive bases within chr3:167,720,087-167,720,103 gives the same sequence; the c. name uses the placement nearest the transcript's 3' end. VCF-style (leftmost placement, unchanged base first): chr3-167720086-TGCATAGAGGG-T. GRCh37 (hg19) VCF-style: chr3-167437874-TGCATAGAGGG-T.
Other names: c.62_71del, p.Pro21fs (NM_145859.2, NM_145860.2); short protein forms P21fs.
Identifiers: ClinVar variation 1456505 (VCV001456505.6), dbSNP rs2108484048, ClinGen allele CA2573136730.

ClinVar aggregate classification (germline): Pathogenic (1 of 4 stars; one submission).

Conditions:
Cerebral cavernous malformation 3. Also called: Familial Cerebral Cavernous Malformation 3. Identifiers: Orphanet 221061, MedGen C1864040, MONDO:0011305, OMIM 603285.

Submission:

Labcorp Genetics (formerly Invitae), Labcorp
Classification: Pathogenic for Cerebral cavernous malformation 3. Last evaluated: 2021-09-09. Review status: criteria provided, single submitter. Criteria: Invitae Variant Classification Sherloc (09022015). Collection method: clinical testing. Allele origin: germline.
Comment: This variant has not been reported in the literature in individuals affected with PDCD10-related conditions. For these reasons, this variant has been classified as Pathogenic. This variant is not present in population databases (ExAC no frequency). This sequence change creates a premature translational stop signal (p.Pro21Glnfs*10) in the PDCD10 gene. It is expected to result in an absent or disrupted protein product. Loss-of-function variants in PDCD10 are known to be pathogenic (PMID: 15543491, 18300272, 23801932).

Literature cited by the submitters: PubMed 15543491; PubMed 18300272; PubMed 23801932.